The following is an entry in ClinVar:

ClinVar aggregate classification (germline): Uncertain significance (1 of 4 stars; one submission).

Submission:

Labcorp Genetics (formerly Invitae), Labcorp
Classification: Uncertain significance. Last evaluated: 2025-10-21. Review status: criteria provided, single submitter. Criteria: Invitae Variant Classification Sherloc (09022015). Collection method: clinical testing. Allele origin: germline.
Comment: This sequence change replaces valine, which is neutral and non-polar, with phenylalanine, which is neutral and non-polar, at codon 395 of the LOX protein (p.Val395Phe). This variant is not present in population databases (gnomAD no frequency). This variant has not been reported in the literature in individuals affected with LOX-related conditions. Invitae Evidence Modeling of protein sequence and biophysical properties (such as structural, functional, and spatial information, amino acid conservation, physicochemical variation, residue mobility, and thermodynamic stability) has been performed for this missense variant. However, the output from this modeling did not meet the statistical confidence thresholds required to predict the impact of this variant on LOX protein function. In summary, the available evidence is currently insufficient to determine the role of this variant in disease. Therefore, it has been classified as a Variant of Uncertain Significance.

NM_002317.7(LOX):c.1183G>T (p.Val395Phe)

Genes: LOX (lysyl oxidase; minus strand), SRFBP1 (serum response factor binding protein 1; plus strand). Cytogenetic location: 5q23.1.
Variant type: single nucleotide variant.
Coding change: c.1183G>T on transcript NM_002317.7 (MANE Select); coding-DNA position 1183, G replaced by T.
Protein change: p.Val395Phe; replaces valine 395 with phenylalanine.
Molecular consequence: missense variant.
Genome position (GRCh38, 1-based): chr5:122,070,117, C>A on the plus strand (G>T on the coding strand, the complement: LOX is on the minus strand). VCF-style: chr5-122070117-C-A. GRCh37 (hg19) VCF-style: chr5-121405812-C-A.
Other names: c.493G>T, p.Val165Phe (NM_001178102.2); c.292G>T, p.Val98Phe (NM_001317073.1); short protein forms V395F, V98F, V165F.
Identifiers: ClinVar variation 4774432 (VCV004774432.1).
Genomic context (GRCh38, chr5:122,070,117, plus strand): 5'-AAATTGTGCAGCCTGAGGCATACGCATGATGTCCTGTGTAGCGAATGTCACAGCGCACAA[C>A]ATTGTTGGTATAGTCAGATTCAGGAACCAGGTAGCTGGGGTTTACACTGACCTGGGCAAC-3'
Protein context (NP_002308.2, residues 385-405): LVPESDYTNN[Val395Phe]VRCDIRYTGH